The following is an entry in ClinVar:

ClinVar aggregate classification (germline): Uncertain significance. Review status: criteria provided, multiple submitters, no conflicts (2 of 4 stars). 2 submissions from 2 submitters: Uncertain significance (2). Last evaluated 2022-02-05.

Conditions:
Agammaglobulinemia 4, autosomal recessive (AGM4). Also called: B cell linker protein deficiency; AGAMMAGLOBULINEMIA, AUTOSOMAL RECESSIVE, DUE TO BLNK DEFECT. Identifiers: MedGen C3150752, MONDO:0013289, OMIM 613502.

Allele frequency attached by ClinVar (database versions not stated): gnomAD 0.00007; ExAC 0.00008; TOPMed 0.00010; gnomAD exomes 0.00012 and 0.00020; ESP Exome Variant Server 0.00015.
gnomAD v4.1: 306 of 1,614,060 alleles (0.019%); highest among the groups gnomAD compares: Non-Finnish European, 0.023%; 1 homozygote.

Submissions (2):

Labcorp Genetics (formerly Invitae), Labcorp
Classification: Uncertain significance for Agammaglobulinemia 4, autosomal recessive. Last evaluated: 2022-02-05. Review status: criteria provided, single submitter. Criteria: Invitae Variant Classification Sherloc (09022015). Collection method: clinical testing. Allele origin: germline.
Comment: This sequence change replaces proline, which is neutral and non-polar, with leucine, which is neutral and non-polar, at codon 107 of the BLNK protein (p.Pro107Leu). This variant is present in population databases (rs375364894, gnomAD 0.02%). This variant has not been reported in the literature in individuals affected with BLNK-related conditions. Algorithms developed to predict the effect of missense changes on protein structure and function (SIFT, PolyPhen-2, Align-GVGD) all suggest that this variant is likely to be tolerated. In summary, the available evidence is currently insufficient to determine the role of this variant in disease. Therefore, it has been classified as a Variant of Uncertain Significance.

Blueprint Genetics
Classification: Uncertain significance. Last evaluated: 2020-01-22. Review status: criteria provided, single submitter. Criteria: ACMG Guidelines, 2015. Collection method: clinical testing. Allele origin: germline.

NM_013314.4(BLNK):c.320C>T (p.Pro107Leu)

Gene: BLNK (B cell linker; minus strand). Cytogenetic location: 10q24.1.
Variant type: single nucleotide variant.
Coding change: c.320C>T on transcript NM_013314.4 (MANE Select); coding-DNA position 320, C replaced by T.
Protein change: p.Pro107Leu; replaces proline 107 with leucine.
Molecular consequence: missense variant. On other transcripts: non-coding transcript variant (4).
Genome position (GRCh38, 1-based): chr10:96,227,451, G>A on the plus strand (C>T on the coding strand, the complement: BLNK is on the minus strand). VCF-style: chr10-96227451-G-A. GRCh37 (hg19) VCF-style: chr10-97987207-G-A.
Other names: c.320C>T, p.Pro107Leu (NM_001114094.2, NM_001258440.2, NM_001258441.2 and 1 more transcripts); short protein forms P107L.
Identifiers: ClinVar variation 1415206 (VCV001415206.6), dbSNP rs375364894, ClinGen allele CA5623506.